The following is an entry in ClinVar:

NM_001242896.3(DEPDC5):c.2884G>T (p.Gly962Trp)

Gene: DEPDC5 (DEP domain containing 5, GATOR1 subcomplex subunit; plus strand). Cytogenetic location: 22q12.3.
Variant type: single nucleotide variant.
Coding change: c.2884G>T on transcript NM_001242896.3 (MANE Select); coding-DNA position 2884, G replaced by T.
Protein change: p.Gly962Trp; replaces glycine 962 with tryptophan.
Molecular consequence: missense variant. On other transcripts: non-coding transcript variant (5).
Genome position (GRCh38, 1-based): chr22:31,845,100, G>T. VCF-style: chr22-31845100-G-T. GRCh37 (hg19) VCF-style: chr22-32241086-G-T.
Other names: c.2857G>T, p.Gly953Trp (NM_001136029.4, NM_001369903.1, NM_014662.6); c.2650G>T, p.Gly884Trp (NM_001242897.2, NM_001363854.2, NM_001364319.2); c.2884G>T, p.Gly962Trp (NM_001363852.2, NM_001364318.2, NM_001364320.2); c.2800G>T, p.Gly934Trp (NM_001369901.1, NM_001369902.1); short protein forms G962W, G884W, G934W, G953W.
Identifiers: ClinVar variation 579952 (VCV000579952.10), dbSNP rs756338392, ClinGen allele CA10196824.

ClinVar aggregate classification (germline): Uncertain significance (1 of 4 stars; one submission).

Conditions:
Familial focal epilepsy with variable foci (FPEVF). Identifiers: Orphanet 98820, MedGen C1858477, MONDO:0020310.

Allele frequency attached by ClinVar (database versions not stated): ExAC 0.00001; TOPMed 0.00001; gnomAD 0.00003.
gnomAD v4.1: 4 of 1,614,062 alleles (0.00025%); highest among the groups gnomAD compares: African/African-American, 0.0053%; no homozygotes.

Submission:

Labcorp Genetics (formerly Invitae), Labcorp
Classification: Uncertain significance for Familial focal epilepsy with variable foci. Last evaluated: 2022-03-23. Review status: criteria provided, single submitter. Criteria: Invitae Variant Classification Sherloc (09022015). Collection method: clinical testing. Allele origin: germline.
Comment: This variant has not been reported in the literature in individuals affected with DEPDC5-related conditions. This variant is present in population databases (rs756338392, gnomAD 0.008%). This sequence change replaces glycine, which is neutral and non-polar, with tryptophan, which is neutral and slightly polar, at codon 962 of the DEPDC5 protein (p.Gly962Trp). In summary, the available evidence is currently insufficient to determine the role of this variant in disease. Therefore, it has been classified as a Variant of Uncertain Significance. Algorithms developed to predict the effect of missense changes on protein structure and function are either unavailable or do not agree on the potential impact of this missense change (SIFT: "Deleterious"; PolyPhen-2: "Not Available"; Align-GVGD: "Class C15"). ClinVar contains an entry for this variant (Variation ID: 579952).